The following is an entry in ClinVar:

NM_004364.5(CEBPA):c.713C>T (p.Ala238Val)

Gene: CEBPA (CCAAT enhancer binding protein alpha; minus strand). Cytogenetic location: 19q13.11.
Variant type: single nucleotide variant.
Coding change: c.713C>T on transcript NM_004364.5 (MANE Select); coding-DNA position 713, C replaced by T.
Protein change: p.Ala238Val; replaces alanine 238 with valine.
Molecular consequence: missense variant.
Genome position (GRCh38, 1-based): chr19:33,301,702, G>A on the plus strand (C>T on the coding strand, the complement: CEBPA is on the minus strand). VCF-style: chr19-33301702-G-A. GRCh37 (hg19) VCF-style: chr19-33792608-G-A.
Other names: c.713C>T (NM_004364.3); c.356C>T, p.Ala119Val (NM_001285829.2); c.818C>T, p.Ala273Val (NM_001287424.2); c.671C>T, p.Ala224Val (NM_001287435.2); short protein forms A119V, A224V, A238V, A273V.
Identifiers: ClinVar variation 1060003 (VCV001060003.10), dbSNP rs3745972, ClinGen allele CA405274361.

ClinVar aggregate classification (germline): Uncertain significance. Review status: criteria provided, multiple submitters, no conflicts (2 of 4 stars). 2 submissions from 2 submitters: Uncertain significance (2). Last evaluated 2025-05-26.

Conditions:
Acute myeloid leukemia (AML). Also called: Leukemia, acute myeloid, somatic; Leukemia, acute myelogenous, somatic; Acute myeloid leukemia, adult; AML adult; Acute non-lymphocytic leukemia; Acute granulocytic leukemia. Identifiers: Orphanet 519, MedGen C0023467, MeSH D015470, MONDO:0018874, OMIM 601626, HP:0004808. Disease mechanism: Constitutively activated FLT3.
Inborn genetic diseases. Identifiers: MedGen C0950123, MeSH D030342.

Allele frequency attached by ClinVar (database versions not stated): gnomAD 0.00001; TOPMed 0.00001.

Submissions (2):

Ambry Genetics
Classification: Uncertain significance for Inborn genetic diseases. Last evaluated: 2025-05-26. Review status: criteria provided, single submitter. Criteria: Ambry Variant Classification Scheme 2023. Collection method: clinical testing. Allele origin: germline.
Comment: The p.A238V variant (also known as c.713C>T), located in coding exon 1 of the CEBPA gene, results from a C to T substitution at nucleotide position 713. The alanine at codon 238 is replaced by valine, an amino acid with similar properties. This amino acid position is conserved. In addition, this alteration is predicted to be tolerated by in silico analysis. Based on the available evidence, the clinical significance of this variant remains unclear.

Labcorp Genetics (formerly Invitae), Labcorp
Classification: Uncertain significance for Acute myeloid leukemia. Last evaluated: 2023-09-18. Review status: criteria provided, single submitter. Criteria: Invitae Variant Classification Sherloc (09022015). Collection method: clinical testing. Allele origin: germline.
Comment: Advanced modeling of protein sequence and biophysical properties (such as structural, functional, and spatial information, amino acid conservation, physicochemical variation, residue mobility, and thermodynamic stability) performed at Invitae indicates that this missense variant is not expected to disrupt CEBPA protein function. In summary, the available evidence is currently insufficient to determine the role of this variant in disease. Therefore, it has been classified as a Variant of Uncertain Significance. ClinVar contains an entry for this variant (Variation ID: 1060003). This variant has not been reported in the literature in individuals affected with CEBPA-related conditions. This variant is not present in population databases (gnomAD no frequency). This sequence change replaces alanine, which is neutral and non-polar, with valine, which is neutral and non-polar, at codon 238 of the CEBPA protein (p.Ala238Val).